The following is an entry in ClinVar:

ClinVar aggregate classification (germline): Uncertain significance (1 of 4 stars; one submission).

Conditions:
Hereditary cancer-predisposing syndrome. Also called: Tumor predisposition; Neoplastic Syndromes, Hereditary; Hereditary Cancer Syndrome; Hereditary neoplastic syndrome. Identifiers: Orphanet 140162, MedGen C0027672, MeSH D009386, MONDO:0015356.

Submission:

Ambry Genetics
Classification: Uncertain significance for Hereditary cancer-predisposing syndrome. Last evaluated: 2024-08-31. Review status: criteria provided, single submitter. Criteria: Ambry Variant Classification Scheme 2023. Collection method: clinical testing. Allele origin: germline.
Comment: The p.A1124T variant (also known as c.3370G>A), located in coding exon 17 of the BLM gene, results from a G to A substitution at nucleotide position 3370. The alanine at codon 1124 is replaced by threonine, an amino acid with similar properties. This amino acid position is conserved. In addition, the in silico prediction for this alteration is inconclusive. Based on the available evidence, the clinical significance of this variant remains unclear.

NM_000057.4(BLM):c.3370G>A (p.Ala1124Thr)

Gene: BLM (BLM RecQ like helicase; plus strand). Cytogenetic location: 15q26.1.
Variant type: single nucleotide variant.
Coding change: c.3370G>A on transcript NM_000057.4 (MANE Select); coding-DNA position 3370, G replaced by A.
Protein change: p.Ala1124Thr; replaces alanine 1124 with threonine.
Molecular consequence: missense variant. On other transcripts: intron variant (1).
Genome position (GRCh38, 1-based): chr15:90,803,532, G>A. VCF-style: chr15-90803532-G-A. GRCh37 (hg19) VCF-style: chr15-91346762-G-A.
Other names: c.3370G>A, p.Ala1124Thr (NM_001287246.2); c.2245G>A, p.Ala749Thr (NM_001287248.2); c.3358+5195G>A (NM_001287247.2); short protein forms A1124T, A749T.
Identifiers: ClinVar variation 3480845 (VCV003480845.1).